The following is an entry in ClinVar:

ClinVar aggregate classification (germline): Uncertain significance. Review status: criteria provided, multiple submitters, no conflicts (2 of 4 stars). 2 submissions from 2 submitters: Uncertain significance (2). Last evaluated 2025-10-14.

Conditions:
Brachyolmia-amelogenesis imperfecta syndrome. Also called: PLATYSPONDYLY WITH AMELOGENESIS IMPERFECTA; Tooth agenesis, selective, 6; Dental anomalies and short stature. Identifiers: Orphanet 2899, MedGen C1832594, MONDO:0011018, OMIM 601216. Disease mechanism: loss of function.
Inborn genetic diseases. Identifiers: MedGen C0950123, MeSH D030342.

Submissions (2):

Labcorp Genetics (formerly Invitae), Labcorp
Classification: Uncertain significance for Brachyolmia-amelogenesis imperfecta syndrome. Last evaluated: 2025-10-14. Review status: criteria provided, single submitter. Criteria: Invitae Variant Classification Sherloc (09022015). Collection method: clinical testing. Allele origin: germline.
Comment: This sequence change replaces aspartic acid, which is acidic and polar, with valine, which is neutral and non-polar, at codon 1028 of the LTBP3 protein (p.Asp1028Val). This variant is present in population databases (no rsID available, gnomAD 0.0009%). This variant has not been reported in the literature in individuals affected with LTBP3-related conditions. ClinVar contains an entry for this variant (Variation ID: 4049900). An algorithm developed to predict the effect of missense changes on protein structure and function (PolyPhen-2) suggests that this variant is likely to be disruptive. In summary, the available evidence is currently insufficient to determine the role of this variant in disease. Therefore, it has been classified as a Variant of Uncertain Significance.

Ambry Genetics
Classification: Uncertain significance for Inborn genetic diseases. Last evaluated: 2025-05-13. Review status: criteria provided, single submitter. Criteria: Ambry Variant Classification Scheme 2023. Collection method: clinical testing. Allele origin: germline.

NM_001130144.3(LTBP3):c.3083A>T (p.Asp1028Val)

Genes: LTBP3 (latent transforming growth factor beta binding protein 3; minus strand), LOC121832793 (Sharpr-MPRA regulatory region 4001; plus strand). Cytogenetic location: 11q13.1.
Variant type: single nucleotide variant.
Coding change: c.3083A>T on transcript NM_001130144.3 (MANE Select); coding-DNA position 3083, A replaced by T.
Protein change: p.Asp1028Val; replaces aspartic acid 1028 with valine.
Molecular consequence: missense variant.
Genome position (GRCh38, 1-based): chr11:65,540,509, T>A on the plus strand (A>T on the coding strand, the complement: LTBP3 is on the minus strand). VCF-style: chr11-65540509-T-A. GRCh37 (hg19) VCF-style: chr11-65307980-T-A.
Other names: c.2732A>T, p.Asp911Val (NM_001164266.1); c.3083A>T, p.Asp1028Val (NM_021070.4); short protein forms D911V, D1028V.
Identifiers: ClinVar variation 4049900 (VCV004049900.2).